The following is an entry in ClinVar:

NM_001211.6(BUB1B):c.1941G>T (p.Lys647Asn)

Gene: BUB1B (BUB1 mitotic checkpoint serine/threonine kinase B; plus strand). Cytogenetic location: 15q15.1.
Variant type: single nucleotide variant.
Coding change: c.1941G>T on transcript NM_001211.6 (MANE Select); coding-DNA position 1941, G replaced by T.
Protein change: p.Lys647Asn; replaces lysine 647 with asparagine.
Molecular consequence: missense variant.
Genome position (GRCh38, 1-based): chr15:40,206,390, G>T. VCF-style: chr15-40206390-G-T. GRCh37 (hg19) VCF-style: chr15-40498591-G-T.
Other names: short protein forms K647N.
Identifiers: ClinVar variation 1783060 (VCV001783060.3), dbSNP rs2542565053, ClinGen allele CA391692730.

ClinVar aggregate classification (germline): Uncertain significance (1 of 4 stars; one submission).

Conditions:
Inborn genetic diseases. Identifiers: MedGen C0950123, MeSH D030342.

Submission:

Ambry Genetics
Classification: Uncertain significance for Inborn genetic diseases. Last evaluated: 2025-07-18. Review status: criteria provided, single submitter. Criteria: Ambry Variant Classification Scheme 2023. Collection method: clinical testing. Allele origin: germline.
Comment: The p.K647N variant (also known as c.1941G>T), located in coding exon 15 of the BUB1B gene, results from a G to T substitution at nucleotide position 1941. The lysine at codon 647 is replaced by asparagine, an amino acid with similar properties. This amino acid position is conserved. In addition, this alteration is predicted to be tolerated by in silico analysis. Since supporting evidence is limited at this time, the clinical significance of this alteration remains unclear.